The following is an entry in ClinVar:

NM_002875.5(RAD51):c.766G>A (p.Ala256Thr)

Gene: RAD51 (RAD51 recombinase; plus strand). Cytogenetic location: 15q15.1.
Variant type: single nucleotide variant.
Coding change: c.766G>A on transcript NM_002875.5 (MANE Select); coding-DNA position 766, G replaced by A.
Protein change: p.Ala256Thr; replaces alanine 256 with threonine.
Molecular consequence: missense variant.
Genome position (GRCh38, 1-based): chr15:40,729,626, G>A. VCF-style: chr15-40729626-G-A. GRCh37 (hg19) VCF-style: chr15-41021824-G-A.
Other names: c.769G>A, p.Ala257Thr (NM_001164269.2, NM_133487.4); c.766G>A, p.Ala256Thr (NM_001164270.2); short protein forms A256T, A257T.
Identifiers: ClinVar variation 1319191 (VCV001319191.6), dbSNP rs374507935, ClinGen allele CA7484100.

ClinVar aggregate classification (germline): Uncertain significance. Review status: criteria provided, multiple submitters, no conflicts (2 of 4 stars). 2 submissions from 2 submitters: Uncertain significance (2). Last evaluated 2024-01-16.

Conditions:
Inborn genetic diseases. Identifiers: MedGen C0950123, MeSH D030342.

Allele frequency attached by ClinVar (database versions not stated): ExAC 0.00001; gnomAD 0.00001; gnomAD exomes 0.00001; TOPMed 0.00001; ESP Exome Variant Server 0.00008.
gnomAD v4.1: 13 of 1,613,728 alleles (0.00081%); highest among the groups gnomAD compares: Admixed American, 0.0017%; no homozygotes.

Submissions (2):

Ambry Genetics
Classification: Uncertain significance for Inborn genetic diseases. Last evaluated: 2024-01-16. Review status: criteria provided, single submitter. Criteria: Ambry Variant Classification Scheme 2023. Collection method: clinical testing. Allele origin: germline.
Comment: The p.A256T variant (also known as c.766G>A), located in coding exon 7 of the RAD51 gene, results from a G to A substitution at nucleotide position 766. The alanine at codon 256 is replaced by threonine, an amino acid with similar properties. This amino acid position is conserved. In addition, this alteration is predicted to be deleterious by in silico analysis. Since supporting evidence is limited at this time, the clinical significance of this alteration remains unclear.

Institute for Clinical Genetics, University Hospital TU Dresden, University Hospital TU Dresden
Classification: Uncertain significance. Last evaluated: 2021-11-03. Review status: criteria provided, single submitter. Criteria: ACMG Guidelines, 2015. Collection method: clinical testing. Allele origin: germline.